The following is an entry in ClinVar:

ClinVar aggregate classification (germline): Likely benign (0 of 4 stars; one submission).

Conditions:
POMC-related disorder. Also called: POMC-related disorders; POMC-related condition.

gnomAD v4.1: 18 of 1,614,070 alleles (0.0011%); highest among the groups gnomAD compares: South Asian, 0.0022%; no homozygotes.

Submission:

PreventionGenetics, part of Exact Sciences
Classification: Likely benign for POMC-related condition. Last evaluated: 2024-06-17. Review status: no assertion criteria provided. Collection method: clinical testing. Allele origin: germline.
Comment: This variant is classified as likely benign based on ACMG/AMP sequence variant interpretation guidelines (Richards et al. 2015 PMID: 25741868, with internal and published modifications).

NM_000939.4(POMC):c.27G>A (p.Ser9=)

Gene: POMC (proopiomelanocortin; minus strand). Cytogenetic location: 2p23.3.
Variant type: single nucleotide variant.
Coding change: c.27G>A on transcript NM_000939.4 (MANE Select); coding-DNA position 27, G replaced by A.
Protein change: p.Ser9=; no amino-acid change (serine 9 retained).
Molecular consequence: synonymous variant.
Genome position (GRCh38, 1-based): chr2:25,164,746, C>T on the plus strand (G>A on the coding strand, the complement: POMC is on the minus strand). VCF-style: chr2-25164746-C-T. GRCh37 (hg19) VCF-style: chr2-25387615-C-T.
Other names: c.27G>A, p.Ser9= (NM_001035256.3, NM_001319204.2, NM_001319205.2).
Identifiers: ClinVar variation 3353018 (VCV003353018.1).